The following is an entry in ClinVar:

ClinVar aggregate classification (germline): Uncertain significance (1 of 4 stars; one submission).

Conditions:
Cardiomyopathy (CMYO). Also called: Cardiomyopathies. Identifiers: Orphanet 167848, MedGen C0878544, MONDO:0004994, HP:0001638. Inheritance: Various modes of inheritance.

Submission:

Color Diagnostics, LLC DBA Color Health
Classification: Uncertain significance for Cardiomyopathy. Last evaluated: 2025-06-17. Review status: criteria provided, single submitter. Criteria: ACMG Guidelines, 2015. Collection method: clinical testing. Allele origin: germline.
Comment: This missense variant replaces glycine with arginine at codon 4388 of the RYR2 protein. Computational prediction suggests that this variant may have deleterious impact on protein structure and function. To our knowledge, functional studies have not been reported for this variant. This variant has not been reported in individuals affected with RYR2-related disorders in the literature. This variant has not been identified in the general population by the Genome Aggregation Database (gnomAD). The available evidence is insufficient to determine the role of this variant in disease conclusively. Therefore, this variant is classified as a Variant of Uncertain Significance.

NM_001035.3(RYR2):c.13162G>A (p.Gly4388Arg)

Genes: RYR2 (ryanodine receptor 2; plus strand), LOC126806068 (BRD4-independent group 4 enhancer GRCh37_chr1:237947411-237948610; plus strand). Cytogenetic location: 1q43.
Variant type: single nucleotide variant.
Coding change: c.13162G>A on transcript NM_001035.3 (MANE Select); coding-DNA position 13162, G replaced by A.
Protein change: p.Gly4388Arg; replaces glycine 4388 with arginine.
Molecular consequence: missense variant.
Genome position (GRCh38, 1-based): chr1:237,784,874, G>A. VCF-style: chr1-237784874-G-A. GRCh37 (hg19) VCF-style: chr1-237948174-G-A.
Other names: short protein forms G4388R.
Identifiers: ClinVar variation 4757268 (VCV004757268.1).